The following is an entry in ClinVar:

ClinVar aggregate classification (germline): Benign/Likely benign. Review status: criteria provided, multiple submitters, no conflicts (2 of 4 stars). 4 submissions from 4 submitters: Benign (1); Likely benign (2). 1 of the submissions does not count toward it. Last evaluated 2026-01-22.

Conditions:
SLC38A8-related disorder. Also called: SLC38A8-related condition.

Allele frequency attached by ClinVar (database versions not stated): ExAC 0.00022; ESP Exome Variant Server 0.00023; TOPMed 0.00049; gnomAD 0.00056; 1000 Genomes Project 0.00120; 1000 Genomes Project 30x 0.00125.
gnomAD v4.1: 169 of 1,614,074 alleles (0.01%); highest among the groups gnomAD compares: African/African-American, 0.19%; no homozygotes.

Submissions (4):

Labcorp Genetics (formerly Invitae), Labcorp
Classification: Benign. Last evaluated: 2026-01-22. Review status: criteria provided, single submitter. Criteria: Invitae Variant Classification Sherloc (09022015). Collection method: clinical testing. Allele origin: germline.

Blueprint Genetics
Classification: Likely benign. Last evaluated: 2024-10-17. Review status: criteria provided, single submitter. Criteria: ACMG Guidelines, 2015. Collection method: clinical testing. Allele origin: germline.

Breakthrough Genomics
Classification: Likely benign. Review status: criteria provided, single submitter. Criteria: ACMG Guidelines, 2015. Collection method: not provided. Allele origin: germline. Inheritance: Autosomal recessive inheritance. Affected: yes.

PreventionGenetics, part of Exact Sciences
Classification: Likely benign for SLC38A8-related condition. Last evaluated: 2019-08-27. Review status: no assertion criteria provided. Collection method: clinical testing. Allele origin: germline. Not counted in ClinVar's aggregate classification.
Comment: This variant is classified as likely benign based on ACMG/AMP sequence variant interpretation guidelines (Richards et al. 2015 PMID: 25741868, with internal and published modifications).

NM_001080442.3(SLC38A8):c.282G>T (p.Gly94=)

Gene: SLC38A8 (solute carrier family 38 member 8; minus strand). Cytogenetic location: 16q23.3.
Variant type: single nucleotide variant.
Coding change: c.282G>T on transcript NM_001080442.3 (MANE Select); coding-DNA position 282, G replaced by T.
Protein change: p.Gly94=; no amino-acid change (glycine 94 retained).
Molecular consequence: synonymous variant.
Genome position (GRCh38, 1-based): chr16:84,036,808, C>A on the plus strand (G>T on the coding strand, the complement: SLC38A8 is on the minus strand). VCF-style: chr16-84036808-C-A. GRCh37 (hg19) VCF-style: chr16-84070413-C-A.
Other names: c.282G>T (NM_001080442.2).
Identifiers: ClinVar variation 2726295 (VCV002726295.7), dbSNP rs201004000, ClinGen allele CA8200403.